The following is an entry in ClinVar:

ClinVar aggregate classification (germline): Uncertain significance. Review status: criteria provided, multiple submitters, no conflicts (2 of 4 stars). 5 submissions from 4 submitters: Uncertain significance (4). 1 of the submissions does not count toward it. Last evaluated 2025-05-27.

Conditions:
Nephronophthisis 4 (NPHP4). Also called: NEPHRONOPHTHISIS 4, JUVENILE. Identifiers: Orphanet 655, MedGen C1847013, MONDO:0011752, OMIM 606966.
Senior-Loken syndrome 4 (SLSN4). Identifiers: Orphanet 3156, MedGen C1846979, MONDO:0011756, OMIM 606996.
Nephronophthisis. Also called: Juvenile Nephronophthisis. Identifiers: Orphanet 655, MedGen C0687120, MONDO:0019005, HP:0000090.
NPHP4-related disorder. Also called: NPHP4-related disorders; NPHP4-related condition. Identifiers: MedGen CN239384.

Allele frequency attached by ClinVar (database versions not stated): TOPMed 0.00003; gnomAD 0.00005; ExAC 0.00013; gnomAD exomes 0.00006.

Submissions (5):

Labcorp Genetics (formerly Invitae), Labcorp
Classification: Uncertain significance for Nephronophthisis. Last evaluated: 2025-05-27. Review status: criteria provided, single submitter. Criteria: Invitae Variant Classification Sherloc (09022015). Collection method: clinical testing. Allele origin: germline.
Comment: This sequence change replaces arginine, which is basic and polar, with cysteine, which is neutral and slightly polar, at codon 232 of the NPHP4 protein (p.Arg232Cys). This variant is present in population databases (rs572497035, gnomAD 0.09%). This missense change has been observed in individual(s) with autosomal recessive Senior-Loken syndrome (PMID: 36990420). ClinVar contains an entry for this variant (Variation ID: 876360). Invitae Evidence Modeling of protein sequence and biophysical properties (such as structural, functional, and spatial information, amino acid conservation, physicochemical variation, residue mobility, and thermodynamic stability) indicates that this missense variant is expected to disrupt NPHP4 protein function with a positive predictive value of 80%. In summary, the available evidence is currently insufficient to determine the role of this variant in disease. Therefore, it has been classified as a Variant of Uncertain Significance.

Fulgent Genetics
Classification: Uncertain significance for Nephronophthisis 4; Senior-Loken syndrome 4. Last evaluated: 2024-02-09. Review status: criteria provided, single submitter. Criteria: ACMG Guidelines, 2015. Collection method: clinical testing. Allele origin: germline.

Illumina Laboratory Services, Illumina
Classification: Uncertain significance for Nephronophthisis 4. Last evaluated: 2018-01-13. Review status: criteria provided, single submitter. Criteria: ICSL Variant Classification Criteria 13 December 2019. Collection method: clinical testing. Allele origin: germline.

Illumina Laboratory Services, Illumina
Classification: Uncertain significance for Senior-Loken syndrome 4. Last evaluated: 2018-01-13. Review status: criteria provided, single submitter. Criteria: ICSL Variant Classification Criteria 13 December 2019. Collection method: clinical testing. Allele origin: germline.

PreventionGenetics, part of Exact Sciences
Classification: Uncertain significance for NPHP4-related condition. Last evaluated: 2024-05-24. Review status: no assertion criteria provided. Collection method: clinical testing. Allele origin: germline. Not counted in ClinVar's aggregate classification.
Comment: The NPHP4 c.694C>T variant is predicted to result in the amino acid substitution p.Arg232Cys. This variant has been reported in compound heterozygous state in an individual with Senior-Loken syndrome retinitis pigmentosa and nephronophthisis (Table 2 in Wang J et al 2023. PubMed ID: 36990420). It has also reported as heterozygous in 2 individuals with heterotaxy but full genotypes and clinical details were not provided (Table 3 in Li et al 2018. PubMed ID: 30120289). This variant is reported in 0.087% of alleles in individuals of East Asian descent in gnomAD. At this time, the clinical significance of this variant is uncertain due to the absence of conclusive functional and genetic evidence.

Literature cited by the submitters: PubMed 36990420 (cited by Labcorp Genetics (formerly Invitae), Labcorp).

NM_015102.5(NPHP4):c.694C>T (p.Arg232Cys)

Gene: NPHP4 (nephrocystin 4; minus strand). Cytogenetic location: 1p36.31.
Variant type: single nucleotide variant.
Coding change: c.694C>T on transcript NM_015102.5 (MANE Select); coding-DNA position 694, C replaced by T.
Protein change: p.Arg232Cys; replaces arginine 232 with cysteine.
Molecular consequence: missense variant. On other transcripts: 5 prime UTR variant (1), non-coding transcript variant (1), intron variant (1).
Genome position (GRCh38, 1-based): chr1:5,952,816, G>A on the plus strand (C>T on the coding strand, the complement: NPHP4 is on the minus strand). VCF-style: chr1-5952816-G-A. GRCh37 (hg19) VCF-style: chr1-6012876-G-A.
Other names: c.-673C>T (NM_001291594.2); c.-556-4565C>T (NM_001291593.2); c.694C>T (NM_015102.4); short protein forms R232C.
Identifiers: ClinVar variation 876360 (VCV000876360.14), dbSNP rs572497035, ClinGen allele CA554748.